The following is an entry in ClinVar:

ClinVar aggregate classification (germline): Uncertain significance. Review status: criteria provided, multiple submitters, no conflicts (2 of 4 stars). 3 submissions from 3 submitters: Uncertain significance (3). Last evaluated 2024-11-01.

Conditions:
Inborn genetic diseases. Identifiers: MedGen C0950123, MeSH D030342.
Hereditary spastic paraplegia 39 (SPG39). Also called: SPASTIC PARAPLEGIA 39, AUTOSOMAL RECESSIVE; Spastic Paraplegia Type 39 (SPG39). Identifiers: Orphanet 139480, MedGen C2677586, MONDO:0012787, OMIM 612020.

Allele frequency attached by ClinVar (database versions not stated): gnomAD exomes below 0.00001.
gnomAD v4.1: 2 of 1,614,066 alleles (0.00012%); highest among the groups gnomAD compares: Non-Finnish European, 0.000085%; no homozygotes.

Submissions (3):

CeGaT Center for Human Genetics Tuebingen
Classification: Uncertain significance. Last evaluated: 2024-11-01. Review status: criteria provided, single submitter. Criteria: CeGaT Center For Human Genetics Tuebingen Variant Classification Criteria Version 2. Collection method: clinical testing. Allele origin: germline. Affected: yes. Observed: 1 variant allele.
Comment: PNPLA6: PM2

Ambry Genetics
Classification: Uncertain significance for Inborn genetic diseases. Last evaluated: 2023-01-17. Review status: criteria provided, single submitter. Criteria: Ambry Variant Classification Scheme 2023. Collection method: clinical testing. Allele origin: germline.

Labcorp Genetics (formerly Invitae), Labcorp
Classification: Uncertain significance for Hereditary spastic paraplegia 39. Last evaluated: 2022-03-10. Review status: criteria provided, single submitter. Criteria: Invitae Variant Classification Sherloc (09022015). Collection method: clinical testing. Allele origin: germline.
Comment: In summary, the available evidence is currently insufficient to determine the role of this variant in disease. Therefore, it has been classified as a Variant of Uncertain Significance. Algorithms developed to predict the effect of missense changes on protein structure and function are either unavailable or do not agree on the potential impact of this missense change (SIFT: "Deleterious"; PolyPhen-2: "Probably Damaging"; Align-GVGD: "Class C15"). ClinVar contains an entry for this variant (Variation ID: 808432). This variant has not been reported in the literature in individuals affected with PNPLA6-related conditions. This variant is not present in population databases (gnomAD no frequency). This sequence change replaces arginine, which is basic and polar, with cysteine, which is neutral and slightly polar, at codon 802 of the PNPLA6 protein (p.Arg802Cys).

NM_001166114.2(PNPLA6):c.2518C>T (p.Arg840Cys)

Gene: PNPLA6 (patatin like domain 6, lysophospholipase; plus strand). Cytogenetic location: 19p13.2.
Variant type: single nucleotide variant.
Coding change: c.2518C>T on transcript NM_001166114.2 (MANE Select); coding-DNA position 2518, C replaced by T.
Protein change: p.Arg840Cys; replaces arginine 840 with cysteine.
Molecular consequence: missense variant.
Genome position (GRCh38, 1-based): chr19:7,554,607, C>T. VCF-style: chr19-7554607-C-T. GRCh37 (hg19) VCF-style: chr19-7619493-C-T.
Other names: c.2404C>T (NM_006702.4); c.2548C>T, p.Arg850Cys (NM_001166111.2); c.2323C>T, p.Arg775Cys (NM_001166112.2); c.2404C>T, p.Arg802Cys (NM_001166113.1, NM_006702.5); short protein forms R802C, R840C, R775C, R850C.
Identifiers: ClinVar variation 808432 (VCV000808432.49), dbSNP rs1599303242, ClinGen allele CA403128674.